The following is an entry in ClinVar:

ClinVar aggregate classification (germline): Uncertain significance. Review status: criteria provided, multiple submitters, no conflicts (2 of 4 stars). 3 submissions from 3 submitters: Uncertain significance (3). Last evaluated 2022-07-06.

Conditions:
Short-rib thoracic dysplasia 6 with or without polydactyly (SRTD6). Also called: POLYDACTYLY WITH NEONATAL CHONDRODYSTROPHY, TYPE II; SHORT RIB-POLYDACTYLY SYNDROME, TYPE IIA; SHORT-RIB THORACIC DYSPLASIA 6 WITH POLYDACTYLY; SHORT-RIB THORACIC DYSPLASIA 6 WITHOUT POLYDACTYLY; Majewski Syndrome. Identifiers: MedGen C0024507, MONDO:0009894, OMIM 263520.
Amyotrophic lateral sclerosis, susceptibility to, 24. Identifiers: MedGen C4693523, MONDO:0054750, OMIM 617892.
Mohr syndrome (OFD2). Also called: OFDS II; ORAL-FACIAL-DIGITAL SYNDROME, TYPE II; OROFACIODIGITAL SYNDROME II. Identifiers: Orphanet 2751, MedGen C0026363, MONDO:0009642, OMIM 252100.

Allele frequency attached by ClinVar (database versions not stated): TOPMed 0.00002; gnomAD 0.00004; gnomAD exomes 0.00004; ExAC 0.00008.
gnomAD v4.1: 64 of 1,531,516 alleles (0.0042%); highest among the groups gnomAD compares: Non-Finnish European, 0.0055%; no homozygotes.

Submissions (4):

Labcorp Genetics (formerly Invitae), Labcorp
Classification: Uncertain significance for Short-rib thoracic dysplasia 6 with or without polydactyly. Last evaluated: 2022-07-06. Review status: criteria provided, single submitter. Criteria: Invitae Variant Classification Sherloc (09022015). Collection method: clinical testing. Allele origin: germline.
Comment: In summary, the available evidence is currently insufficient to determine the role of this variant in disease. Therefore, it has been classified as a Variant of Uncertain Significance. Variants that disrupt the consensus splice site are a relatively common cause of aberrant splicing (PMID: 17576681, 9536098). Algorithms developed to predict the effect of sequence changes on RNA splicing suggest that this variant may disrupt the consensus splice site. Algorithms developed to predict the effect of missense changes on protein structure and function (SIFT, PolyPhen-2, Align-GVGD) all suggest that this variant is likely to be disruptive. ClinVar contains an entry for this variant (Variation ID: 900737). This variant has not been reported in the literature in individuals affected with NEK1-related conditions. This variant is present in population databases (rs765591688, gnomAD 0.008%). This sequence change affects codon 360 of the NEK1 mRNA. It is a 'silent' change, meaning that it does not change the encoded amino acid sequence of the NEK1 protein. This variant also falls at the last nucleotide of exon 12, which is part of the consensus splice site for this exon.

Department of Pathology and Laboratory Medicine, Sinai Health System
Classification: Uncertain significance for Mohr syndrome; Short-rib thoracic dysplasia 6 with or without polydactyly; Amyotrophic lateral sclerosis, susceptibility to, 24. Last evaluated: 2021-07-30. Review status: criteria provided, single submitter. Criteria: ACMG Guidelines, 2015. Collection method: research. Allele origin: germline.

Illumina Laboratory Services, Illumina
Classification: Uncertain significance for Short-rib thoracic dysplasia 6 with or without polydactyly. Last evaluated: 2018-01-13. Review status: criteria provided, single submitter. Criteria: ICSL Variant Classification Criteria 13 December 2019. Collection method: clinical testing. Allele origin: germline.

Dr. Peter K. Rogan Lab, Western University
No classification provided (evidence only). Condition: Sarcoma. Review status: no classification provided. Collection method: in vitro. Allele origin: not applicable. Functional consequence: skipped exon, retained intron. Not counted in ClinVar's aggregate classification.

Literature cited by the submitters: PubMed 17576681 (cited by Labcorp Genetics (formerly Invitae), Labcorp); PubMed 9536098 (cited by Labcorp Genetics (formerly Invitae), Labcorp).

NM_001199397.3(NEK1):c.1080G>C (p.Glu360Asp)

Gene: NEK1 (NIMA related kinase 1; minus strand). Cytogenetic location: 4q33.
Variant type: single nucleotide variant.
Coding change: c.1080G>C on transcript NM_001199397.3 (MANE Select); coding-DNA position 1080, G replaced by C.
Protein change: p.Glu360Asp; replaces glutamic acid 360 with aspartic acid.
Molecular consequence: missense variant. On other transcripts: non-coding transcript variant (2).
Genome position (GRCh38, 1-based): chr4:169,562,137, C>G on the plus strand (G>C on the coding strand, the complement: NEK1 is on the minus strand). VCF-style: chr4-169562137-C-G. GRCh37 (hg19) VCF-style: chr4-170483288-C-G.
Other names: c.1080G>C, p.Glu360Asp (NM_001374418.1, NM_001374419.1, NM_001374423.1 and 7 more transcripts); short protein forms E360D.
Identifiers: ClinVar variation 900737 (VCV000900737.11), dbSNP rs765591688, ClinGen allele CA3137867.